The following is an entry in ClinVar:

NM_198253.3(TERT):c.2836T>C (p.Tyr946His)

Gene: TERT (telomerase reverse transcriptase; minus strand). Cytogenetic location: 5p15.33.
Variant type: single nucleotide variant.
Coding change: c.2836T>C on transcript NM_198253.3 (MANE Select); coding-DNA position 2836, T replaced by C.
Protein change: p.Tyr946His; replaces tyrosine 946 with histidine.
Molecular consequence: missense variant. On other transcripts: intron variant (1).
Genome position (GRCh38, 1-based): chr5:1,264,411, A>G on the plus strand (T>C on the coding strand, the complement: TERT is on the minus strand). VCF-style: chr5-1264411-A-G. GRCh37 (hg19) VCF-style: chr5-1264526-A-G.
Other names: c.2654+2053T>C (NM_001193376.3); short protein forms Y946H.
Identifiers: ClinVar variation 1163840 (VCV001163840.53), dbSNP rs1748447400, ClinGen allele CA359071398.
Genomic context (GRCh38, chr5:1,264,411, plus strand): 5'-GCAGCACCTGCCCCAGCCGGGCACAGGCTCCACTTCCGGCCAGGTGCGCTCACCTGGAGT[A>G]GTCGCTCTGCACCTCCAGGGTCCGGGTATCCAGCAGCAGGCCGCACCAGGGGAATAGGCC-3'
Protein context (NP_937983.2, residues 936-956): DTRTLEVQSD[Tyr946His]SSYARTSIRA

ClinVar aggregate classification (germline): Uncertain significance. Review status: criteria provided, multiple submitters, no conflicts (2 of 4 stars). 7 submissions from 7 submitters: Uncertain significance (7). Last evaluated 2026-01-13.

Conditions:
Dyskeratosis congenita, autosomal dominant 2. Identifiers: MedGen C3151443, MONDO:0013521, OMIM 613989.
Idiopathic Pulmonary Fibrosis. Also called: Idiopathic fibrosing alveolitis, chronic form; idiopathic fibrosing alveolitis. Identifiers: Orphanet 2032, MedGen C1800706, MeSH D054990, MONDO:0800504.
TERT-related disorder. Also called: TERT-related disorders; TERT-related condition.
Dyskeratosis congenita. Identifiers: Orphanet 1775, MedGen C0265965, MONDO:0015780.

Allele frequency attached by ClinVar (database versions not stated): TOPMed below 0.00001.

Submissions (7):

PreventionGenetics, part of Exact Sciences
Classification: Uncertain significance for TERT-related condition. Last evaluated: 2026-01-13. Review status: criteria provided, single submitter. Criteria: ACMG Guidelines, 2015. Collection method: clinical testing. Allele origin: germline.
Comment: The TERT c.2836T>C variant is predicted to result in the amino acid substitution p.Tyr946His. To our knowledge, this variant has not been reported in the literature or in a large population database (gnomAD), indicating this variant is rare. At this time, the clinical significance of this variant is uncertain due to the absence of conclusive functional and genetic evidence.

Ambry Genetics
Classification: Uncertain significance for Dyskeratosis congenita. Last evaluated: 2025-08-29. Review status: criteria provided, single submitter. Criteria: Ambry Variant Classification Scheme 2023. Collection method: clinical testing. Allele origin: germline.
Comment: The p.Y946H variant (also known as c.2836T>C), located in coding exon 11 of the TERT gene, results from a T to C substitution at nucleotide position 2836. The tyrosine at codon 946 is replaced by histidine, an amino acid with similar properties. This amino acid position is conserved. In addition, this alteration is predicted to be tolerated by in silico analysis. Based on the available evidence, the clinical significance of this variant remains unclear.

Labcorp Genetics (formerly Invitae), Labcorp
Classification: Uncertain significance for Dyskeratosis congenita, autosomal dominant 2; Idiopathic Pulmonary Fibrosis. Last evaluated: 2025-01-03. Review status: criteria provided, single submitter. Criteria: Invitae Variant Classification Sherloc (09022015). Collection method: clinical testing. Allele origin: germline.
Comment: This sequence change replaces tyrosine, which is neutral and polar, with histidine, which is basic and polar, at codon 946 of the TERT protein (p.Tyr946His). This variant is not present in population databases (gnomAD no frequency). This variant has not been reported in the literature in individuals affected with TERT-related conditions. ClinVar contains an entry for this variant (Variation ID: 1163840). An algorithm developed to predict the effect of missense changes on protein structure and function outputs the following: PolyPhen-2: "Benign". The histidine amino acid residue is found in multiple mammalian species, which suggests that this missense change does not adversely affect protein function. In summary, the available evidence is currently insufficient to determine the role of this variant in disease. Therefore, it has been classified as a Variant of Uncertain Significance.

Blueprint Genetics
Classification: Uncertain significance. Last evaluated: 2022-03-15. Review status: criteria provided, single submitter. Criteria: ACMG Guidelines, 2015. Collection method: clinical testing. Allele origin: germline.

GeneDx
Classification: Uncertain significance. Last evaluated: 2021-04-09. Review status: criteria provided, single submitter. Criteria: GeneDx Variant Classification Process June 2021. Collection method: clinical testing. Allele origin: germline. Affected: yes.
Comment: Not observed in large population cohorts (Lek et al., 2016); In silico analysis supports that this missense variant has a deleterious effect on protein structure/function; Has not been previously published as pathogenic or benign to our knowledge

Mayo Clinic Laboratories, Mayo Clinic
Classification: Uncertain significance. Last evaluated: 2020-11-03. Review status: criteria provided, single submitter. Criteria: ACMG Guidelines, 2015. Collection method: clinical testing. Allele origin: germline. Observed: 1 variant allele.

Genetic Services Laboratory, University of Chicago
Classification: Uncertain significance. Last evaluated: 2017-12-15. Review status: criteria provided, single submitter. Criteria: ACMG Guidelines, 2015. Collection method: clinical testing. Allele origin: germline. Affected: no.